The following is an entry in ClinVar:

NM_001378454.1(ALMS1):c.764+20T>A

Gene: ALMS1 (ALMS1 centrosome and basal body associated protein; plus strand). Cytogenetic location: 2p13.1.
Variant type: single nucleotide variant.
Coding change: c.764+20T>A on transcript NM_001378454.1 (MANE Select); 20 bases into the intron after coding-DNA position 764, T replaced by A.
Molecular consequence: intron variant.
Genome position (GRCh38, 1-based): chr2:73,422,994, T>A. VCF-style: chr2-73422994-T-A. GRCh37 (hg19) VCF-style: chr2-73650122-T-A.
Other names: c.764+20T>A (NM_015120.4); c.767+20T>A (NM_015120.4).
Identifiers: ClinVar variation 383767 (VCV000383767.19), dbSNP rs1881246, ClinGen allele CA1712954.

ClinVar aggregate classification (germline): Benign. Review status: criteria provided, multiple submitters, no conflicts (2 of 4 stars). 8 submissions from 8 submitters: Benign (4). 4 of the submissions do not count toward it. Last evaluated 2026-02-04.

Conditions:
Alstrom syndrome (ALMS). Identifiers: Orphanet 64, MedGen C0268425, MONDO:0008763, OMIM 203800.

Allele frequency attached by ClinVar (database versions not stated): TOPMed 0.48945; gnomAD 0.49506 and 0.50751; ESP Exome Variant Server 0.50277; 1000 Genomes Project 30x 0.52030; 1000 Genomes Project 0.53275; ExAC 0.60331; gnomAD exomes 0.60691.
gnomAD v4.1: 955,875 of 1,564,114 alleles (61%); highest among the groups gnomAD compares: East Asian, 75%; 300,585 homozygotes.

Submissions (8):

Labcorp Genetics (formerly Invitae), Labcorp
Classification: Benign for Alstrom syndrome. Last evaluated: 2026-02-04. Review status: criteria provided, single submitter. Criteria: Invitae Variant Classification Sherloc (09022015). Collection method: clinical testing. Allele origin: germline.

Blueprint Genetics
Classification: Benign. Last evaluated: 2024-11-26. Review status: criteria provided, single submitter. Criteria: ACMG Guidelines, 2015. Collection method: clinical testing. Allele origin: germline.

GeneDx
Classification: Benign. Last evaluated: 2016-09-09. Review status: criteria provided, single submitter. Criteria: GeneDx Variant Classification (06012015). Collection method: clinical testing. Allele origin: germline. Affected: yes.
Comment: This variant is considered likely benign or benign based on one or more of the following criteria: it is a conservative change, it occurs at a poorly conserved position in the protein, it is predicted to be benign by multiple in silico algorithms, and/or has population frequency not consistent with disease.

Breakthrough Genomics
Classification: Benign. Review status: criteria provided, single submitter. Criteria: ACMG Guidelines, 2015. Collection method: not provided. Allele origin: germline. Inheritance: Autosomal recessive inheritance. Affected: yes.

Clinical Genetics, Academic Medical Center
Classification: Benign. Review status: no assertion criteria provided. Collection method: clinical testing. Allele origin: germline. Affected: yes. Study: VKGL Data-share Consensus. Not counted in ClinVar's aggregate classification.

Diagnostic Laboratory, Department of Genetics, University Medical Center Groningen
Classification: Benign. Review status: no assertion criteria provided. Collection method: clinical testing. Allele origin: germline. Affected: yes. Study: VKGL Data-share Consensus. Not counted in ClinVar's aggregate classification.

Genome Diagnostics Laboratory, University Medical Center Utrecht
Classification: Benign. Review status: no assertion criteria provided. Collection method: clinical testing. Allele origin: germline. Affected: yes. Study: VKGL Data-share Consensus. Not counted in ClinVar's aggregate classification.

Joint Genome Diagnostic Labs from Nijmegen and Maastricht, Radboudumc and MUMC+
Classification: Benign. Review status: no assertion criteria provided. Collection method: clinical testing. Allele origin: germline. Affected: yes. Study: VKGL Data-share Consensus. Not counted in ClinVar's aggregate classification.